The following is an entry in ClinVar:

ClinVar aggregate classification (germline): Uncertain significance. Review status: criteria provided, multiple submitters, no conflicts (2 of 4 stars). 2 submissions from 2 submitters: Uncertain significance (2). Last evaluated 2022-03-26.

Conditions:
Aicardi-Goutieres syndrome 2. Identifiers: Orphanet 51, MedGen C3489724, MONDO:0012429, OMIM 610181.

Allele frequency attached by ClinVar (database versions not stated): gnomAD exomes below 0.00001.
gnomAD v4.1: 5 of 1,598,102 alleles (0.00031%); highest among the groups gnomAD compares: Non-Finnish European, 0.00034%; no homozygotes.

Submissions (2):

Labcorp Genetics (formerly Invitae), Labcorp
Classification: Uncertain significance for Aicardi-Goutieres syndrome 2. Last evaluated: 2022-03-26. Review status: criteria provided, single submitter. Criteria: Invitae Variant Classification Sherloc (09022015). Collection method: clinical testing. Allele origin: germline.
Comment: This sequence change replaces lysine, which is basic and polar, with isoleucine, which is neutral and non-polar, at codon 304 of the RNASEH2B protein (p.Lys304Ile). The frequency data for this variant in the population databases is considered unreliable, as metrics indicate poor data quality at this position in the gnomAD database. This variant has not been reported in the literature in individuals affected with RNASEH2B-related conditions. Algorithms developed to predict the effect of missense changes on protein structure and function are either unavailable or do not agree on the potential impact of this missense change (SIFT: "Deleterious"; PolyPhen-2: "Probably Damaging"; Align-GVGD: "Class C0"). In summary, the available evidence is currently insufficient to determine the role of this variant in disease. Therefore, it has been classified as a Variant of Uncertain Significance.

Blueprint Genetics
Classification: Uncertain significance. Last evaluated: 2021-09-09. Review status: criteria provided, single submitter. Criteria: ACMG Guidelines, 2015. Collection method: clinical testing. Allele origin: germline.

NM_024570.4(RNASEH2B):c.911A>T (p.Lys304Ile)

Gene: RNASEH2B (ribonuclease H2 subunit B; plus strand). Cytogenetic location: 13q14.3.
Variant type: single nucleotide variant.
Coding change: c.911A>T on transcript NM_024570.4 (MANE Select); coding-DNA position 911, A replaced by T.
Protein change: p.Lys304Ile; replaces lysine 304 with isoleucine.
Molecular consequence: missense variant. On other transcripts: intron variant (1).
Genome position (GRCh38, 1-based): chr13:50,956,446, A>T. VCF-style: chr13-50956446-A-T. GRCh37 (hg19) VCF-style: chr13-51530582-A-T.
Other names: c.741+6941A>T (NM_001142279.2); short protein forms K304I.
Identifiers: ClinVar variation 2117146 (VCV002117146.2), dbSNP rs1471999282, ClinGen allele CA388260468.